The following is an entry in ClinVar:

NM_001040142.2(SCN2A):c.1842G>T (p.Pro614=)

Gene: SCN2A (sodium voltage-gated channel alpha subunit 2; plus strand). Cytogenetic location: 2q24.3.
Variant type: single nucleotide variant.
Coding change: c.1842G>T on transcript NM_001040142.2 (MANE Select); coding-DNA position 1842, G replaced by T.
Protein change: p.Pro614=; no amino-acid change (proline 614 retained).
Molecular consequence: synonymous variant.
Genome position (GRCh38, 1-based): chr2:165,323,326, G>T. VCF-style: chr2-165323326-G-T. GRCh37 (hg19) VCF-style: chr2-166179836-G-T.
Other names: p.P614P:CCG>CCT; c.1842G>T, p.Pro614= (NM_001040143.2, NM_001371246.1, NM_001371247.1 and 1 more transcripts).
Identifiers: ClinVar variation 130218 (VCV000130218.29), dbSNP rs114315466, ClinGen allele CA289019.

ClinVar aggregate classification (germline): Benign/Likely benign. Review status: criteria provided, multiple submitters, no conflicts (2 of 4 stars). 8 submissions from 8 submitters: Benign (7); Likely benign (1). Last evaluated 2026-02-03.

Conditions:
Developmental and epileptic encephalopathy, 11 (DEE11). Also called: Early infantile epileptic encephalopathy 11. Identifiers: Orphanet 1934, MedGen C3150987, MONDO:0013388, OMIM 613721.
Seizures, benign familial infantile, 3 (BFIS3). Also called: CONVULSIONS, BENIGN FAMILIAL INFANTILE, 3; Familial neonatal seizures. Identifiers: Orphanet 140927, Orphanet 306, MedGen C1843140, MONDO:0011904, OMIM 607745.
Episodic ataxia, type 9. Identifiers: MedGen C5394520, MONDO:0030064, OMIM 618924.
Inborn genetic diseases. Identifiers: MedGen C0950123, MeSH D030342.

Allele frequency attached by ClinVar (database versions not stated): ExAC 0.00285; gnomAD 0.00790; TOPMed 0.00896; 1000 Genomes Project 30x 0.01452; ESP Exome Variant Server 0.01007; 1000 Genomes Project 0.01358.
gnomAD v4.1: 2,662 of 1,614,132 alleles (0.16%); highest among the groups gnomAD compares: African/African-American, 2.8%; 40 homozygotes.

Submissions (10):

Labcorp Genetics (formerly Invitae), Labcorp
Classification: Benign for Seizures, benign familial infantile, 3; Developmental and epileptic encephalopathy, 11. Last evaluated: 2026-02-03. Review status: criteria provided, single submitter. Criteria: Invitae Variant Classification Sherloc (09022015). Collection method: clinical testing. Allele origin: germline.

Athena Diagnostics
Classification: Benign. Last evaluated: 2024-07-05. Review status: criteria provided, single submitter. Criteria: Athena Diagnostics Criteria. Collection method: clinical testing. Allele origin: unknown.

Fulgent Genetics
Classification: Likely benign for Seizures, benign familial infantile, 3; Developmental and epileptic encephalopathy, 11; Episodic ataxia, type 9. Last evaluated: 2022-05-29. Review status: criteria provided, single submitter. Criteria: ACMG Guidelines, 2015. Collection method: clinical testing. Allele origin: unknown.

Illumina Laboratory Services, Illumina
Classification: Benign for Seizures, benign familial infantile, 3. Last evaluated: 2018-01-13. Review status: criteria provided, single submitter. Criteria: ICSL Variant Classification Criteria 13 December 2019. Collection method: clinical testing. Allele origin: germline.
Comment: This variant was observed in the ICSL laboratory as part of a predisposition screen in an ostensibly healthy population. It had not been previously curated by ICSL or reported in the Human Gene Mutation Database (HGMD: prior to June 1st, 2018), and was therefore a candidate for classification through an automated scoring system. Utilizing variant allele frequency, disease prevalence and penetrance estimates, and inheritance mode, an automated score was calculated to assess if this variant is too frequent to cause the disease. Based on the score and internal cut-off values, a variant classified as benign is not then subjected to further curation. The score for this variant resulted in a classification of benign for this disease.

Ambry Genetics
Classification: Benign for Inborn genetic diseases. Last evaluated: 2016-04-15. Review status: criteria provided, single submitter. Criteria: Ambry Variant Classification Scheme 2023. Collection method: clinical testing. Allele origin: germline.

Genetic Services Laboratory, University of Chicago
Classification: Benign for AllHighlyPenetrant. Last evaluated: 2013-04-16. Review status: criteria provided, single submitter. Criteria: ACMG Guidelines, 2007. Collection method: clinical testing. Allele origin: germline. Inheritance: Autosomal dominant inheritance.

GeneDx
Classification: Benign. Last evaluated: 2013-01-15. Review status: criteria provided, single submitter. Criteria: GeneDx Variant Classification (06012015). Collection method: clinical testing. Allele origin: germline. Affected: yes.
Comment: This variant is considered likely benign or benign based on one or more of the following criteria: it is a conservative change, it occurs at a poorly conserved position in the protein, it is predicted to be benign by multiple in silico algorithms, and/or has population frequency not consistent with disease.

Breakthrough Genomics
Classification: Benign. Review status: criteria provided, single submitter. Criteria: ACMG Guidelines, 2015. Collection method: not provided. Allele origin: germline. Inheritance: Autosomal dominant inheritance. Affected: yes.

Dr. Peter K. Rogan Lab, Western University
No classification provided (evidence only). Condition: Clear cell carcinoma of kidney. Review status: no classification provided. Collection method: in vitro. Allele origin: not applicable. Functional consequence: retained intron. Not counted in ClinVar's aggregate classification.

Dr. Peter K. Rogan Lab, Western University
No classification provided (evidence only). Condition: Lung cancer. Review status: no classification provided. Collection method: in vitro. Allele origin: not applicable. Functional consequence: retained intron. Not counted in ClinVar's aggregate classification.

Literature cited by the submitters: PubMed 27456059 (cited by Athena Diagnostics); PubMed 35982159 (cited by Athena Diagnostics); PubMed 26555645 (cited by Athena Diagnostics).